The following is an entry in ClinVar:

ClinVar aggregate classification (germline): Uncertain significance. Review status: criteria provided, multiple submitters, no conflicts (2 of 4 stars). 2 submissions from 2 submitters: Uncertain significance (2). Last evaluated 2026-08-24.

Conditions:
Cardiovascular phenotype. Identifiers: MedGen CN230736.
Hypertrophic cardiomyopathy. Also called: HYPERTROPHIC MYOCARDIOPATHY. Identifiers: Orphanet 217569, MedGen C0007194, MeSH D002312, MONDO:0005045, HP:0001639.

Allele frequency attached by ClinVar (database versions not stated): gnomAD exomes below 0.00001.
gnomAD v4.1: 1 of 1,555,082 alleles (0.000064%); highest among the groups gnomAD compares: Non-Finnish European, 0.000087%; no homozygotes.

Submissions (2):

Ambry Genetics
Classification: Uncertain significance for Cardiovascular phenotype. Last evaluated: 2026-08-24. Review status: criteria provided, single submitter. Criteria: Ambry Variant Classification Scheme 2023. Collection method: clinical testing. Allele origin: germline.
Comment: The p.R160C variant (also known as c.478C>T), located in coding exon 2 of the JPH2 gene, results from a C to T substitution at nucleotide position 478. The arginine at codon 160 is replaced by cysteine, an amino acid with highly dissimilar properties. This amino acid position is conserved. In addition, the in silico prediction for this alteration is inconclusive. Based on the available evidence, the clinical significance of this variant remains unclear.

Labcorp Genetics (formerly Invitae), Labcorp
Classification: Uncertain significance for Hypertrophic cardiomyopathy. Last evaluated: 2022-03-11. Review status: criteria provided, single submitter. Criteria: Invitae Variant Classification Sherloc (09022015). Collection method: clinical testing. Allele origin: germline.
Comment: In summary, the available evidence is currently insufficient to determine the role of this variant in disease. Therefore, it has been classified as a Variant of Uncertain Significance. Algorithms developed to predict the effect of missense changes on protein structure and function are either unavailable or do not agree on the potential impact of this missense change (SIFT: "Tolerated"; PolyPhen-2: "Probably Damaging"; Align-GVGD: "Class C15"). This variant has not been reported in the literature in individuals affected with JPH2-related conditions. This variant is not present in population databases (gnomAD no frequency). This sequence change replaces arginine, which is basic and polar, with cysteine, which is neutral and slightly polar, at codon 160 of the JPH2 protein (p.Arg160Cys).

NM_020433.5(JPH2):c.478C>T (p.Arg160Cys)

Gene: JPH2 (junctophilin 2; minus strand). Cytogenetic location: 20q13.12.
Variant type: single nucleotide variant.
Coding change: c.478C>T on transcript NM_020433.5 (MANE Select); coding-DNA position 478, C replaced by T.
Protein change: p.Arg160Cys; replaces arginine 160 with cysteine.
Molecular consequence: missense variant.
Genome position (GRCh38, 1-based): chr20:44,160,309, G>A on the plus strand (C>T on the coding strand, the complement: JPH2 is on the minus strand). VCF-style: chr20-44160309-G-A. GRCh37 (hg19) VCF-style: chr20-42788949-G-A.
Other names: short protein forms R160C.
Identifiers: ClinVar variation 2151816 (VCV002151816.5), dbSNP rs894217949, ClinGen allele CA314629798.